The following is an entry in ClinVar:

ClinVar aggregate classification (germline): Uncertain significance. Review status: criteria provided, multiple submitters, no conflicts (2 of 4 stars). 4 submissions from 4 submitters: Uncertain significance (4). Last evaluated 2026-01-21.

Conditions:
RYR1-related disorder. Also called: RYR1-related disorders; RYR1-related condition. Identifiers: MedGen CN239331.
Inborn genetic diseases. Identifiers: MedGen C0950123, MeSH D030342.
Malignant hyperthermia, susceptibility to, 1 (MHS1). Also called: Anesthesia related hyperthermia; Malignant hyperpyrexia; Fulminating hyperpyrexia; Pharmacogenic myopathy; RYR1-Related Malignant Hyperthermia Susceptibility; Malignant hyperthermia suceptibility 1. Identifiers: Orphanet 423, MedGen C2930980, MONDO:0007783, OMIM 145600.

Allele frequency attached by ClinVar (database versions not stated): gnomAD exomes below 0.00001; gnomAD 0.00001; TOPMed 0.00003.
gnomAD v4.1: 5 of 1,613,566 alleles (0.00031%); highest among the groups gnomAD compares: Admixed American, 0.0017%; no homozygotes.

Submissions (4):

Ambry Genetics
Classification: Uncertain significance for Inborn genetic diseases. Last evaluated: 2026-01-21. Review status: criteria provided, single submitter. Criteria: Ambry Variant Classification Scheme 2023. Collection method: clinical testing. Allele origin: germline.

Labcorp Genetics (formerly Invitae), Labcorp
Classification: Uncertain significance for RYR1-related disorder. Last evaluated: 2025-07-13. Review status: criteria provided, single submitter. Criteria: Invitae Variant Classification Sherloc (09022015). Collection method: clinical testing. Allele origin: germline.
Comment: This sequence change replaces valine, which is neutral and non-polar, with methionine, which is neutral and non-polar, at codon 4547 of the RYR1 protein (p.Val4547Met). This variant is not present in population databases (gnomAD no frequency). This variant has not been reported in the literature in individuals affected with RYR1-related conditions. ClinVar contains an entry for this variant (Variation ID: 1024603). Invitae Evidence Modeling of protein sequence and biophysical properties (such as structural, functional, and spatial information, amino acid conservation, physicochemical variation, residue mobility, and thermodynamic stability) indicates that this missense variant is not expected to disrupt RYR1 protein function with a negative predictive value of 80%. In summary, the available evidence is currently insufficient to determine the role of this variant in disease. Therefore, it has been classified as a Variant of Uncertain Significance.

All of Us Research Program, National Institutes of Health
Classification: Uncertain significance for Malignant hyperthermia, susceptibility to, 1. Last evaluated: 2023-10-02. Review status: criteria provided, single submitter. Criteria: ACMG Guidelines, 2015. Collection method: clinical testing. Allele origin: germline. Inheritance: Autosomal dominant inheritance. Observed: 3 variant alleles, 3 heterozygotes.
Comment: This missense variant replaces valine with methionine at codon 4547 of the RYR1 protein. Computational prediction is inconclusive regarding the impact of this variant on protein structure and function (internally defined REVEL score threshold 0.5 < inconclusive < 0.7, PMID: 27666373). To our knowledge, functional studies have not been reported for this variant. This variant has not been reported in individuals affected with RYR1-related disorders in the literature. This variant has not been identified in the general population by the Genome Aggregation Database (gnomAD). The available evidence is insufficient to determine the role of this variant in disease conclusively. Therefore, this variant is classified as a Variant of Uncertain Significance.

This study involves interpretation of variants in research participants for the purpose of population health screening. Participant phenotype was not available at the time of variant classification. Additional details can be found in publication PMID: 35346344, PMCID: PMC8962531

Revvity Omics, Revvity
Classification: Uncertain significance. Last evaluated: 2023-05-26. Review status: criteria provided, single submitter. Criteria: ACMG Guidelines, 2015. Collection method: clinical testing. Allele origin: germline.

NM_000540.3(RYR1):c.13639G>A (p.Val4547Met)

Gene: RYR1 (ryanodine receptor 1; plus strand). Cytogenetic location: 19q13.2.
Variant type: single nucleotide variant.
Coding change: c.13639G>A on transcript NM_000540.3 (MANE Select); coding-DNA position 13639, G replaced by A.
Protein change: p.Val4547Met; replaces valine 4547 with methionine.
Molecular consequence: missense variant.
Genome position (GRCh38, 1-based): chr19:38,567,897, G>A. VCF-style: chr19-38567897-G-A. GRCh37 (hg19) VCF-style: chr19-39058537-G-A.
Other names: c.13639G>A (NM_000540.2); c.13624G>A, p.Val4542Met (NM_001042723.2); short protein forms V4542M, V4547M.
Identifiers: ClinVar variation 1024603 (VCV001024603.11), dbSNP rs907229842, ClinGen allele CA308111330.
Genomic context (GRCh38, chr19:38,567,897, plus strand): 5'-CCTCCCTCACCCCCTCCAAAGAAGGAGGAAGCTGGAGGCGAATTCTGGGGAGAACTGGAG[G>A]TGCAGAGGGTGAAGTTCCTGGTAAGGATCCAGCCAGGTCACCTGAACCTTCTTCTCCCCG-3'
Protein context (NP_000531.2, residues 4537-4557): AGGEFWGELE[Val4547Met]QRVKFLNYLS